The following is an entry in ClinVar:

ClinVar aggregate classification (germline): Uncertain significance (1 of 4 stars; one submission).

gnomAD v4.1: 1 of 1,613,814 alleles (0.000062%); highest among the groups gnomAD compares: Non-Finnish European, 0.000085%; no homozygotes.

Submission:

Labcorp Genetics (formerly Invitae), Labcorp
Classification: Uncertain significance. Last evaluated: 2025-06-12. Review status: criteria provided, single submitter. Criteria: Invitae Variant Classification Sherloc (09022015). Collection method: clinical testing. Allele origin: germline.
Comment: This sequence change replaces glycine, which is neutral and non-polar, with arginine, which is basic and polar, at codon 1389 of the ARID1B protein (p.Gly1389Arg). This variant is not present in population databases (gnomAD no frequency). This variant has not been reported in the literature in individuals affected with ARID1B-related conditions. ClinVar contains an entry for this variant (Variation ID: 2789410). Invitae Evidence Modeling of protein sequence and biophysical properties (such as structural, functional, and spatial information, amino acid conservation, physicochemical variation, residue mobility, and thermodynamic stability) indicates that this missense variant is not expected to disrupt ARID1B protein function with a negative predictive value of 95%. In summary, the available evidence is currently insufficient to determine the role of this variant in disease. Therefore, it has been classified as a Variant of Uncertain Significance.

NM_001374828.1(ARID1B):c.4534G>C (p.Gly1512Arg)

Gene: ARID1B (AT-rich interaction domain 1B; plus strand). Cytogenetic location: 6q25.3.
Variant type: single nucleotide variant.
Coding change: c.4534G>C on transcript NM_001374828.1 (MANE Select); coding-DNA position 4534, G replaced by C.
Protein change: p.Gly1512Arg; replaces glycine 1512 with arginine.
Molecular consequence: missense variant.
Genome position (GRCh38, 1-based): chr6:157,200,759, G>C. VCF-style: chr6-157200759-G-C. GRCh37 (hg19) VCF-style: chr6-157521893-G-C.
Other names: c.4285G>C, p.Gly1429Arg (NM_001346813.1); c.2035G>C, p.Gly679Arg (NM_001363725.2); c.4414G>C, p.Gly1472Arg (NM_001371656.1, NM_001374820.1); c.4375G>C, p.Gly1459Arg (NM_017519.3); c.4165G>C, p.Gly1389Arg (NM_020732.3); c.3952G>C, p.Gly1318Arg (NM_175863.2); short protein forms G1389R, G1429R, G1472R, G1512R, G679R, G1459R, G1318R.
Identifiers: ClinVar variation 2789410 (VCV002789410.3), dbSNP rs766030463, ClinGen allele CA366240864.